The following is an entry in ClinVar:

ClinVar aggregate classification (germline): Pathogenic (1 of 4 stars; one submission).

Conditions:
Early-infantile DEE. Also called: Early infantile epileptic encephalopathy; Ohtahara syndrome; Early infantile epileptic encephalopathy with suppression bursts. Identifiers: Orphanet 1934, MedGen C0393706, MONDO:0800491.

Submission:

Labcorp Genetics (formerly Invitae), Labcorp
Classification: Pathogenic for Early-infantile DEE. Last evaluated: 2025-07-14. Review status: criteria provided, single submitter. Criteria: Invitae Variant Classification Sherloc (09022015). Collection method: clinical testing. Allele origin: germline.
Comment: This sequence change replaces valine, which is neutral and non-polar, with leucine, which is neutral and non-polar, at codon 1350 of the SCN1A protein (p.Val1350Leu). This variant is not present in population databases (gnomAD no frequency). This missense change has been observed in individual(s) with febrile seizures (internal data). It has also been observed to segregate with disease in related individuals. ClinVar contains an entry for this variant (Variation ID: 654455). Invitae Evidence Modeling of protein sequence and biophysical properties (such as structural, functional, and spatial information, amino acid conservation, physicochemical variation, residue mobility, and thermodynamic stability) indicates that this missense variant is expected to disrupt SCN1A protein function with a positive predictive value of 95%. This variant disrupts the p.Val1350 amino acid residue in SCN1A. Other variant(s) that disrupt this residue have been determined to be pathogenic (PMID: 21248271). This suggests that this residue is clinically significant, and that variants that disrupt this residue are likely to be disease-causing. For these reasons, this variant has been classified as Pathogenic.

Literature cited by the submitters: PubMed 21248271.

NM_001165963.4(SCN1A):c.4048G>C (p.Val1350Leu)

Genes: SCN1A (sodium voltage-gated channel alpha subunit 1; minus strand), LOC102724058 (uncharacterized LOC102724058; plus strand). Cytogenetic location: 2q24.3.
Variant type: single nucleotide variant.
Coding change: c.4048G>C on transcript NM_001165963.4 (MANE Select); coding-DNA position 4048, G replaced by C.
Protein change: p.Val1350Leu; replaces valine 1350 with leucine.
Molecular consequence: missense variant. On other transcripts: non-coding transcript variant (1).
Genome position (GRCh38, 1-based): chr2:166,002,708, C>G on the plus strand (G>C on the coding strand, the complement: SCN1A is on the minus strand). VCF-style: chr2-166002708-C-G. GRCh37 (hg19) VCF-style: chr2-166859218-C-G.
Other names: c.3964G>C, p.Val1322Leu (NM_001165964.3, NM_001353957.2, NM_001353958.2); c.4048G>C, p.Val1350Leu (NM_001202435.3, NM_001353948.2); c.4015G>C, p.Val1339Leu (NM_001353949.2, NM_001353950.2, NM_001353951.2 and 2 more transcripts); c.4012G>C, p.Val1338Leu (NM_001353954.2, NM_001353955.2); c.3961G>C, p.Val1321Leu (NM_001353960.2); c.1606G>C, p.Val536Leu (NM_001353961.2); short protein forms V1321L, V1322L, V1338L, V536L, V1339L, V1350L.
Identifiers: ClinVar variation 654455 (VCV000654455.11), dbSNP rs1574006637, ClinGen allele CA349050703.
Genomic context (GRCh38, chr2:166,002,708, plus strand): 5'-CAAACAAATTTACGCCCATGATGCTGAAAATTAGCCAGAATATAAGACAAACCAGAAGCA[C>G]ATTCATGATGGATGGAATTGCTCCTAAAAGGGCATTCACAACCACCTAATACACAAATGG-3'
Protein context (NP_001159435.1, residues 1340-1360): LLGAIPSIMN[Val1350Leu]LLVCLIFWLI